The following is an entry in ClinVar:

ClinVar aggregate classification (germline): Uncertain significance (1 of 4 stars; one submission).

Conditions:
Hereditary cancer-predisposing syndrome. Also called: Tumor predisposition; Hereditary Cancer Syndrome; Hereditary neoplastic syndrome; Neoplastic Syndromes, Hereditary. Identifiers: Orphanet 140162, MedGen C0027672, MeSH D009386, MONDO:0015356.

gnomAD v4.1: 3 of 1,606,582 alleles (0.00019%); highest among the groups gnomAD compares: Admixed American, 0.0017%; no homozygotes.

Submission:

Ambry Genetics
Classification: Uncertain significance for Hereditary cancer-predisposing syndrome. Last evaluated: 2024-05-01. Review status: criteria provided, single submitter. Criteria: Ambry Variant Classification Scheme 2023. Collection method: clinical testing. Allele origin: germline.
Comment: The p.H309Y variant (also known as c.925C>T), located in coding exon 9 of the EPCAM gene, results from a C to T substitution at nucleotide position 925. The histidine at codon 309 is replaced by tyrosine, an amino acid with similar properties. This amino acid position is conserved. In addition, this alteration is predicted to be tolerated by in silico analysis. Based on the available evidence, the clinical significance of this variant remains unclear.

NM_002354.3(EPCAM):c.925C>T (p.His309Tyr)

Gene: EPCAM (epithelial cell adhesion molecule; plus strand). Cytogenetic location: 2p21.
Variant type: single nucleotide variant.
Coding change: c.925C>T on transcript NM_002354.3 (MANE Select); coding-DNA position 925, C replaced by T.
Protein change: p.His309Tyr; replaces histidine 309 with tyrosine.
Molecular consequence: missense variant.
Genome position (GRCh38, 1-based): chr2:47,386,593, C>T. VCF-style: chr2-47386593-C-T. GRCh37 (hg19) VCF-style: chr2-47613732-C-T.
Other names: short protein forms H309Y.
Identifiers: ClinVar variation 3275841 (VCV003275841.1).